The following is an entry in ClinVar:

ClinVar aggregate classification (germline): Uncertain significance. Review status: criteria provided, multiple submitters, no conflicts (2 of 4 stars). 3 submissions from 3 submitters: Uncertain significance (3). Last evaluated 2024-10-24.

Conditions:
Cardiovascular phenotype. Identifiers: MedGen CN230736.
Catecholaminergic polymorphic ventricular tachycardia 1. Also called: VENTRICULAR TACHYCARDIA, STRESS-INDUCED POLYMORPHIC 1; VENTRICULAR TACHYCARDIA, CATECHOLAMINERGIC POLYMORPHIC, 1, WITH OR WITHOUT ATRIAL DYSFUNCTION AND/OR DILATED CARDIOMYOPATHY; RYR2-Related Catecholaminergic Polymorphic Ventricular Tachycardia. Identifiers: Orphanet 3286, MedGen C1631597, MONDO:0011484, OMIM 604772.

Allele frequency attached by ClinVar (database versions not stated): gnomAD exomes below 0.00001 and 0.00002; TOPMed 0.00003; gnomAD 0.00004; 1000 Genomes Project 30x 0.00016; 1000 Genomes Project 0.00020.
gnomAD v4.1: 11 of 1,496,582 alleles (0.00074%); highest among the groups gnomAD compares: African/African-American, 0.014%; no homozygotes.

Submissions (3):

Ambry Genetics
Classification: Uncertain significance for Cardiovascular phenotype. Last evaluated: 2024-10-24. Review status: criteria provided, single submitter. Criteria: Ambry Variant Classification Scheme 2023. Collection method: clinical testing. Allele origin: germline.
Comment: The p.P386T variant (also known as c.1156C>A), located in coding exon 15 of the TRDN gene, results from a C to A substitution at nucleotide position 1156. The proline at codon 386 is replaced by threonine, an amino acid with highly similar properties. This amino acid position is conserved. In addition, this alteration is predicted to be tolerated by in silico analysis. Since supporting evidence is limited at this time, the clinical significance of this alteration remains unclear.

GeneDx
Classification: Uncertain significance. Last evaluated: 2023-06-12. Review status: criteria provided, single submitter. Criteria: GeneDx Variant Classification Process June 2021. Collection method: clinical testing. Allele origin: germline. Affected: yes.
Comment: In silico analysis supports that this missense variant does not alter protein structure/function; Has not been previously published as pathogenic or benign to our knowledge

Labcorp Genetics (formerly Invitae), Labcorp
Classification: Uncertain significance for Catecholaminergic polymorphic ventricular tachycardia 1. Last evaluated: 2022-08-21. Review status: criteria provided, single submitter. Criteria: Invitae Variant Classification Sherloc (09022015). Collection method: clinical testing. Allele origin: germline.
Comment: This sequence change replaces proline, which is neutral and non-polar, with threonine, which is neutral and polar, at codon 386 of the TRDN protein (p.Pro386Thr). The frequency data for this variant in the population databases is considered unreliable, as metrics indicate poor data quality at this position in the gnomAD database. This variant has not been reported in the literature in individuals affected with TRDN-related conditions. ClinVar contains an entry for this variant (Variation ID: 1010692). Algorithms developed to predict the effect of missense changes on protein structure and function output the following: SIFT: "Tolerated"; PolyPhen-2: "Benign"; Align-GVGD: "Class C0". The threonine amino acid residue is found in multiple mammalian species, which suggests that this missense change does not adversely affect protein function. In summary, the available evidence is currently insufficient to determine the role of this variant in disease. Therefore, it has been classified as a Variant of Uncertain Significance.

NM_006073.4(TRDN):c.1156C>A (p.Pro386Thr)

Gene: TRDN (triadin; minus strand). Cytogenetic location: 6q22.31.
Variant type: single nucleotide variant.
Coding change: c.1156C>A on transcript NM_006073.4 (MANE Select); coding-DNA position 1156, C replaced by A.
Protein change: p.Pro386Thr; replaces proline 386 with threonine.
Molecular consequence: missense variant.
Genome position (GRCh38, 1-based): chr6:123,382,127, G>T on the plus strand (C>A on the coding strand, the complement: TRDN is on the minus strand). VCF-style: chr6-123382127-G-T. GRCh37 (hg19) VCF-style: chr6-123703272-G-T.
Other names: c.1159C>A, p.Pro387Thr (NM_001251987.2); c.1156C>A (NM_006073.3); short protein forms P386T, P387T.
Identifiers: ClinVar variation 1010692 (VCV001010692.11), dbSNP rs555383967, ClinGen allele CA147257909.